The following is an entry in ClinVar:

NM_012123.4(MTO1):c.1585A>C (p.Lys529Gln)

Gene: MTO1 (mitochondrial tRNA translation optimization 1; plus strand). Cytogenetic location: 6q13.
Variant type: single nucleotide variant.
Coding change: c.1585A>C on transcript NM_012123.4 (MANE Select); coding-DNA position 1585, A replaced by C.
Protein change: p.Lys529Gln; replaces lysine 529 with glutamine.
Molecular consequence: missense variant.
Genome position (GRCh38, 1-based): chr6:73,482,568, A>C. VCF-style: chr6-73482568-A-C. GRCh37 (hg19) VCF-style: chr6-74192291-A-C.
Other names: p.Lys529Gln; c.1705A>C, p.Lys569Gln (NM_001123226.2); c.1660A>C, p.Lys554Gln (NM_133645.3); short protein forms K569Q, K554Q, K529Q.
Identifiers: ClinVar variation 1982231 (VCV001982231.2), dbSNP rs1754060676, ClinGen allele CA364717583.
Genomic context (GRCh38, chr6:73,482,568, plus strand): 5'-TCTTCTTTAGAAGAAGGCATTTCTGTGTTGAAATCTATTGAGTTTTTGAGCTCTAAATGG[A>C]AAAAATTAATCCCAGAGGCTTCTATAAGTACTAGTAGAAGTCTGCCTGTCAGGTATGCAT-3'
Protein context (NP_036255.2, residues 519-539): KSIEFLSSKW[Lys529Gln]KLIPEASIST

ClinVar aggregate classification (germline): Uncertain significance. Review status: criteria provided, multiple submitters, no conflicts (2 of 4 stars). 2 submissions from 2 submitters: Uncertain significance (2). Last evaluated 2023-05-04.

Conditions:
Mitochondrial hypertrophic cardiomyopathy with lactic acidosis due to MTO1 deficiency. Also called: CARDIOMYOPATHY, INFANTILE HYPERTROPHIC MITOCHONDRIAL, AND LACTIC ACIDOSIS; Combined oxidative phosphorylation deficiency 10. Identifiers: Orphanet 314637, MedGen C4749921, MONDO:0013865, OMIM 614702.

Allele frequency attached by ClinVar (database versions not stated): gnomAD exomes below 0.00001.
gnomAD v4.1: 3 of 1,611,778 alleles (0.00019%); highest among the groups gnomAD compares: Non-Finnish European, 0.00017%; no homozygotes.

Submissions (2):

Mayo Clinic Laboratories, Mayo Clinic
Classification: Uncertain significance. Last evaluated: 2023-05-04. Review status: criteria provided, single submitter. Criteria: ACMG Guidelines, 2015. Collection method: clinical testing. Allele origin: germline. Observed: 1 variant allele.
Comment: BP4, PM2_supporting

Labcorp Genetics (formerly Invitae), Labcorp
Classification: Uncertain significance for Mitochondrial hypertrophic cardiomyopathy with lactic acidosis due to MTO1 deficiency. Last evaluated: 2022-05-19. Review status: criteria provided, single submitter. Criteria: Invitae Variant Classification Sherloc (09022015). Collection method: clinical testing. Allele origin: germline.
Comment: This sequence change replaces lysine, which is basic and polar, with glutamine, which is neutral and polar, at codon 529 of the MTO1 protein (p.Lys529Gln). This variant is not present in population databases (gnomAD no frequency). This variant has not been reported in the literature in individuals affected with MTO1-related conditions. Algorithms developed to predict the effect of missense changes on protein structure and function are either unavailable or do not agree on the potential impact of this missense change (SIFT: "Tolerated"; PolyPhen-2: "Possibly Damaging"; Align-GVGD: "Class C0"). In summary, the available evidence is currently insufficient to determine the role of this variant in disease. Therefore, it has been classified as a Variant of Uncertain Significance.